The following is an entry in ClinVar:

ClinVar aggregate classification (germline): Uncertain significance (1 of 4 stars; one submission).

Conditions:
Methylmalonic acidemia with homocystinuria, type cblJ (MAHCJ). Also called: METHYLMALONIC ACIDURIA AND HOMOCYSTINURIA, cblJ TYPE. Identifiers: Orphanet 369955, MedGen C3553915, MONDO:0013925, OMIM 614857.

gnomAD v4.1: 1 of 1,605,860 alleles (0.000062%); no homozygotes.

Submission:

Labcorp Genetics (formerly Invitae), Labcorp
Classification: Uncertain significance for Methylmalonic acidemia with homocystinuria, type cblJ. Last evaluated: 2022-05-03. Review status: criteria provided, single submitter. Criteria: Invitae Variant Classification Sherloc (09022015). Collection method: clinical testing. Allele origin: germline.
Comment: In summary, the available evidence is currently insufficient to determine the role of this variant in disease. Therefore, it has been classified as a Variant of Uncertain Significance. Algorithms developed to predict the effect of missense changes on protein structure and function are either unavailable or do not agree on the potential impact of this missense change (SIFT: "Deleterious"; PolyPhen-2: "Not Available"; Align-GVGD: "Class C0"). This variant has not been reported in the literature in individuals affected with ABCD4-related conditions. This variant is present in population databases (no rsID available, gnomAD 0.0009%). This sequence change replaces arginine, which is basic and polar, with serine, which is neutral and polar, at codon 13 of the ABCD4 protein (p.Arg13Ser).

NM_005050.4(ABCD4):c.39G>T (p.Arg13Ser)

Gene: ABCD4 (ATP binding cassette subfamily D member 4; minus strand). Cytogenetic location: 14q24.3.
Variant type: single nucleotide variant.
Coding change: c.39G>T on transcript NM_005050.4 (MANE Select); coding-DNA position 39, G replaced by T.
Protein change: p.Arg13Ser; replaces arginine 13 with serine.
Molecular consequence: missense variant. On other transcripts: 5 prime UTR variant (15), non-coding transcript variant (8), intron variant (4).
Genome position (GRCh38, 1-based): chr14:74,300,268, C>A on the plus strand (G>T on the coding strand, the complement: ABCD4 is on the minus strand). VCF-style: chr14-74300268-C-A. GRCh37 (hg19) VCF-style: chr14-74766971-C-A.
Other names: c.39G>T, p.Arg13Ser (NM_001353591.2, NM_001353592.2, NM_020323.1 and 1 more transcripts); c.-371G>T (NM_001353595.2); c.-243G>T (NM_001353596.2, NM_001353597.2); c.-299G>T (NM_001353599.2, NM_020324.3); c.-311G>T (NM_001353600.2); c.-171G>T (NM_001353601.2); c.-651G>T (NM_001353602.2); c.-528G>T (NM_001353603.2, NM_001353606.2); and 6 more; short protein forms R13S.
Identifiers: ClinVar variation 2133198 (VCV002133198.4), dbSNP rs1330467541, ClinGen allele CA390381508.